The following is an entry in ClinVar:

ClinVar aggregate classification (germline): Uncertain significance (1 of 4 stars; one submission).

Allele frequency attached by ClinVar (database versions not stated): gnomAD exomes below 0.00001; TOPMed 0.00001.

Submission:

Labcorp Genetics (formerly Invitae), Labcorp
Classification: Uncertain significance. Last evaluated: 2022-03-26. Review status: criteria provided, single submitter. Criteria: Invitae Variant Classification Sherloc (09022015). Collection method: clinical testing. Allele origin: germline.
Comment: In summary, the available evidence is currently insufficient to determine the role of this variant in disease. Therefore, it has been classified as a Variant of Uncertain Significance. Algorithms developed to predict the effect of missense changes on protein structure and function are either unavailable or do not agree on the potential impact of this missense change (SIFT: "Deleterious"; PolyPhen-2: "Possibly Damaging"; Align-GVGD: "Class C0"). This variant has not been reported in the literature in individuals affected with DLL3-related conditions. The frequency data for this variant in the population databases is considered unreliable, as metrics indicate poor data quality at this position in the gnomAD database. This sequence change replaces leucine, which is neutral and non-polar, with valine, which is neutral and non-polar, at codon 64 of the DLL3 protein (p.Leu64Val).

NM_203486.3(DLL3):c.190C>G (p.Leu64Val)

Gene: DLL3 (delta like canonical Notch ligand 3; plus strand). Cytogenetic location: 19q13.2.
Variant type: single nucleotide variant.
Coding change: c.190C>G on transcript NM_203486.3 (MANE Select); coding-DNA position 190, C replaced by G.
Protein change: p.Leu64Val; replaces leucine 64 with valine.
Molecular consequence: missense variant.
Genome position (GRCh38, 1-based): chr19:39,499,312, C>G. VCF-style: chr19-39499312-C-G. GRCh37 (hg19) VCF-style: chr19-39989952-C-G.
Other names: c.190C>G, p.Leu64Val (NM_016941.4); short protein forms L64V.
Identifiers: ClinVar variation 2066776 (VCV002066776.4), dbSNP rs1456082363, ClinGen allele CA405793578.
Genomic context (GRCh38, chr19:39,499,312, plus strand): 5'-GGGGCCCCGCGGTCCCCCTGCAGCGCCCGGCTCCCCTGCCGCCTCTTCTTCAGAGTCTGC[C>G]TGAAGCCTGGGCTCTCAGAGGAGGCCGCCGAGTCCCCGTGCGCCCTGGGCGCGGCGCTGA-3'
Protein context (NP_982353.1, residues 54-74): LPCRLFFRVC[Leu64Val]KPGLSEEAAE